The following is an entry in ClinVar:

NM_003072.5(SMARCA4):c.2489T>G (p.Val830Gly)

Gene: SMARCA4 (SWI/SNF related BAF chromatin remodeling complex subunit ATPase 4; plus strand). Cytogenetic location: 19p13.2.
Variant type: single nucleotide variant.
Coding change: c.2489T>G on transcript NM_003072.5 (MANE Select); coding-DNA position 2489, T replaced by G.
Protein change: p.Val830Gly; replaces valine 830 with glycine.
Molecular consequence: missense variant. On other transcripts: non-coding transcript variant (1).
Genome position (GRCh38, 1-based): chr19:11,019,007, T>G. VCF-style: chr19-11019007-T-G. GRCh37 (hg19) VCF-style: chr19-11129683-T-G.
Other names: c.2489T>G, p.Val830Gly (NM_001128847.4, NM_001128848.2, NM_001128849.3 and 6 more transcripts); short protein forms V830G.
Identifiers: ClinVar variation 1792035 (VCV001792035.2), dbSNP rs2146360988, ClinGen allele CA404053721.

ClinVar aggregate classification (germline): Uncertain significance (1 of 4 stars; one submission).

Conditions:
Hereditary cancer-predisposing syndrome. Also called: Hereditary Cancer Syndrome; Hereditary neoplastic syndrome; Tumor predisposition; Neoplastic Syndromes, Hereditary. Identifiers: Orphanet 140162, MedGen C0027672, MeSH D009386, MONDO:0015356.

Submission:

Ambry Genetics
Classification: Uncertain significance for Hereditary cancer-predisposing syndrome. Last evaluated: 2022-03-07. Review status: criteria provided, single submitter. Criteria: Ambry Variant Classification Scheme 2023. Collection method: clinical testing. Allele origin: germline.
Comment: The p.V830G variant (also known as c.2489T>G), located in coding exon 16 of the SMARCA4 gene, results from a T to G substitution at nucleotide position 2489. The valine at codon 830 is replaced by glycine, an amino acid with dissimilar properties. This amino acid position is highly conserved in available vertebrate species. In addition, this alteration is predicted to be deleterious by in silico analysis. Missense and in-frame variants in SMARCA4 are known to cause neurodevelopmental disorders; however, such associations with rhabdoid tumor predisposition syndrome including small cell carcinoma of the ovary-hypercalcemic type (SCCOHT) are exceedingly rare (Kosho T et al. Am J Med Genet C Semin Med Genet. 2014 Sep;166C(3):262-75; Jelinic P et al. Nat Genet. 2014 May;46(5):424-6). Since supporting evidence is limited at this time, the clinical significance of this alteration remains unclear.